The following is an entry in ClinVar:

ClinVar aggregate classification (germline): Uncertain significance (1 of 4 stars; one submission).

Conditions:
Short-rib thoracic dysplasia 11 with or without polydactyly (SRTD11). Also called: SHORT-RIB THORACIC DYSPLASIA 11 WITHOUT POLYDACTYLY. Identifiers: Orphanet 474, Orphanet 93271, MedGen C3810200, MONDO:0014287, OMIM 615633.

Submission:

Labcorp Genetics (formerly Invitae), Labcorp
Classification: Uncertain significance for Short-rib thoracic dysplasia 11 with or without polydactyly. Last evaluated: 2022-05-12. Review status: criteria provided, single submitter. Criteria: Invitae Variant Classification Sherloc (09022015). Collection method: clinical testing. Allele origin: germline.
Comment: This sequence change replaces tyrosine, which is neutral and polar, with histidine, which is basic and polar, at codon 396 of the WDR34 protein (p.Tyr396His). This variant is not present in population databases (gnomAD no frequency). This variant has not been reported in the literature in individuals affected with WDR34-related conditions. In summary, the available evidence is currently insufficient to determine the role of this variant in disease. Therefore, it has been classified as a Variant of Uncertain Significance. Algorithms developed to predict the effect of missense changes on protein structure and function are either unavailable or do not agree on the potential impact of this missense change (SIFT: "Tolerated"; PolyPhen-2: "Possibly Damaging"; Align-GVGD: "Class C0").

NM_052844.4(DYNC2I2):c.1186T>C (p.Tyr396His)

Genes: DYNC2I2 (dynein 2 intermediate chain 2; minus strand), LOC126860772 (CDK7 strongly-dependent group 2 enhancer GRCh37_chr9:131396972-131398171; plus strand). Cytogenetic location: 9q34.11.
Variant type: single nucleotide variant.
Coding change: c.1186T>C on transcript NM_052844.4 (MANE Select); coding-DNA position 1186, T replaced by C.
Protein change: p.Tyr396His; replaces tyrosine 396 with histidine.
Molecular consequence: missense variant.
Genome position (GRCh38, 1-based): chr9:128,634,717, A>G on the plus strand (T>C on the coding strand, the complement: DYNC2I2 is on the minus strand). VCF-style: chr9-128634717-A-G. GRCh37 (hg19) VCF-style: chr9-131396996-A-G.
Other names: short protein forms Y396H.
Identifiers: ClinVar variation 2109789 (VCV002109789.4), dbSNP rs2542430848, ClinGen allele CA375112011.
Genomic context (GRCh38, chr9:128,634,717, plus strand): 5'-GCCCCACTGTGCCCCAGGCCTGCCCTACGTACCTGTGGAAGGGGGAACAGCTCACAGAGT[A>G]GATGGGACCGCCGTGGGGGGAGAAGGTAAACTGTGCTGGGGCCCGCAGGGGCACGGAGCT-3'
Protein context (NP_443076.2, residues 386-406): FTFSPHGGPI[Tyr396His]SVSCSPFHRN